The following is an entry in ClinVar:

NM_001100915.3(KCTD19):c.1311C>A (p.Leu437=)

Gene: KCTD19 (potassium channel tetramerization domain containing 19; minus strand). Cytogenetic location: 16q22.1.
Variant type: single nucleotide variant.
Coding change: c.1311C>A on transcript NM_001100915.3 (MANE Select); coding-DNA position 1311, C replaced by A.
Protein change: p.Leu437=; no amino-acid change (leucine 437 retained).
Molecular consequence: synonymous variant.
Genome position (GRCh38, 1-based): chr16:67,295,343, G>T on the plus strand (C>A on the coding strand, the complement: KCTD19 is on the minus strand). VCF-style: chr16-67295343-G-T. GRCh37 (hg19) VCF-style: chr16-67329246-G-T.
Identifiers: ClinVar variation 4872660 (VCV004872660.2).

ClinVar aggregate classification (germline): Likely benign (1 of 4 stars; one submission).

gnomAD v4.1: 98 of 1,614,000 alleles (0.0061%); highest among the groups gnomAD compares: Non-Finnish European, 0.0077%; 1 homozygote.

Submission:

CeGaT Center for Human Genetics Tuebingen
Classification: Likely benign. Last evaluated: 2026-04-01. Review status: criteria provided, single submitter. Criteria: CeGaT Center For Human Genetics Tuebingen Variant Classification Criteria Version 2. Collection method: clinical testing. Allele origin: germline. Affected: yes. Observed: 1 variant allele.
Comment: KCTD19: BP4, BP7